The following is an entry in ClinVar:

ClinVar aggregate classification (germline): Pathogenic (1 of 4 stars; one submission).

Submission:

CeGaT Center for Human Genetics Tuebingen
Classification: Pathogenic. Last evaluated: 2025-04-01. Review status: criteria provided, single submitter. Criteria: CeGaT Center For Human Genetics Tuebingen Variant Classification Criteria Version 2. Collection method: clinical testing. Allele origin: germline. Affected: yes. Observed: 1 variant allele.
Comment: KDM5B: PVS1, PM2

NM_006618.5(KDM5B):c.2358del (p.Glu787fs)

Gene: KDM5B (lysine demethylase 5B; minus strand). Cytogenetic location: 1q32.1.
Variant type: Deletion.
Coding change: c.2358del on transcript NM_006618.5 (MANE Select); coding-DNA position 2358, one base deleted (T; older notation c.2358delT).
Protein change: p.Glu787fs; shifts the reading frame from glutamic acid 787.
Molecular consequence: frameshift variant.
Genome position (GRCh38, 1-based): chr1:202,742,771, A deleted on the plus strand (T on the coding strand, the reverse complement: KDM5B is on the minus strand). VCF-style (leftmost placement, unchanged base first): chr1-202742770-CA-C. GRCh37 (hg19) VCF-style: chr1-202711898-CA-C.
Other names: c.2466del, p.Glu823fs (NM_001314042.2); c.2223del, p.Glu742fs (NM_001347591.2); c.2343del, p.Glu782fs (NM_001399817.1); short protein forms E742fs, E782fs, E787fs, E823fs.
Identifiers: ClinVar variation 3898526 (VCV003898526.7).
Genomic context (GRCh38, chr1:202,742,770, plus strand): 5'-CATCCTGTGTGACTAGGCGAAGGTGTCGCAAAAGATCATTGTCTGGGAATTTCTTCATTT[CA>C]GATTCTTCAATTAAAGCCTTGAAGCTGACAAGGCCTAGGAATGAAGAAAAAAGTCATATT-3'